The following is an entry in ClinVar:

NM_032043.3(BRIP1):c.193C>A (p.Gln65Lys)

Gene: BRIP1 (BRCA1 interacting DNA helicase 1; minus strand). Cytogenetic location: 17q23.2.
Variant type: single nucleotide variant.
Coding change: c.193C>A on transcript NM_032043.3 (MANE Select); coding-DNA position 193, C replaced by A.
Protein change: p.Gln65Lys; replaces glutamine 65 with lysine.
Molecular consequence: missense variant.
Genome position (GRCh38, 1-based): chr17:61,859,808, G>T on the plus strand (C>A on the coding strand, the complement: BRIP1 is on the minus strand). VCF-style: chr17-61859808-G-T. GRCh37 (hg19) VCF-style: chr17-59937169-G-T.
Other names: short protein forms Q65K.
Identifiers: ClinVar variation 1715957 (VCV001715957.5), dbSNP rs575595017, ClinGen allele CA400485670.

ClinVar aggregate classification (germline): Uncertain significance (1 of 4 stars; one submission).

Conditions:
Familial cancer of breast. Also called: BREAST CANCER, FAMILIAL; Hereditary breast cancer; hereditary breast carcinoma. Identifiers: Orphanet 227535, MedGen C0346153, MONDO:0016419, OMIM 114480. Disease mechanism: loss of function.
Fanconi anemia complementation group J. Also called: BRIP1-Related Fanconi Anemia. Identifiers: Orphanet 84, MedGen C1836860, MONDO:0012187, OMIM 609054.

Submission:

Labcorp Genetics (formerly Invitae), Labcorp
Classification: Uncertain significance for Familial cancer of breast; Fanconi anemia complementation group J. Last evaluated: 2022-08-09. Review status: criteria provided, single submitter. Criteria: Invitae Variant Classification Sherloc (09022015). Collection method: clinical testing. Allele origin: germline.
Comment: In summary, the available evidence is currently insufficient to determine the role of this variant in disease. Therefore, it has been classified as a Variant of Uncertain Significance. Algorithms developed to predict the effect of missense changes on protein structure and function (SIFT, PolyPhen-2, Align-GVGD) all suggest that this variant is likely to be tolerated. This variant has not been reported in the literature in individuals affected with BRIP1-related conditions. This variant is not present in population databases (gnomAD no frequency). This sequence change replaces glutamine, which is neutral and polar, with lysine, which is basic and polar, at codon 65 of the BRIP1 protein (p.Gln65Lys).